The following is an entry in ClinVar:

NM_003673.4(TCAP):c.192G>A (p.Ser64=)

Gene: TCAP (titin-cap; plus strand). Cytogenetic location: 17q12.
Variant type: single nucleotide variant.
Coding change: c.192G>A on transcript NM_003673.4 (MANE Select); coding-DNA position 192, G replaced by A.
Protein change: p.Ser64=; no amino-acid change (serine 64 retained).
Molecular consequence: synonymous variant.
Genome position (GRCh38, 1-based): chr17:39,665,797, G>A. VCF-style: chr17-39665797-G-A. GRCh37 (hg19) VCF-style: chr17-37822050-G-A.
Identifiers: ClinVar variation 239546 (VCV000239546.14), dbSNP rs771585295, ClinGen allele CA8532873.

ClinVar aggregate classification (germline): Likely benign. Review status: criteria provided, multiple submitters, no conflicts (2 of 4 stars). 3 submissions from 3 submitters: Likely benign (3). Last evaluated 2025-08-14.

Conditions:
Cardiovascular phenotype. Identifiers: MedGen CN230736.
Hypertrophic cardiomyopathy 25 (CMH25). Also called: CARDIOMYOPATHY, FAMILIAL HYPERTROPHIC, 25. Identifiers: MedGen C4225408, MONDO:0011843, OMIM 607487.
Primary familial hypertrophic cardiomyopathy (HCM). Identifiers: Orphanet 99739, MedGen C0949658, MeSH D024741, MONDO:0024573. Inheritance: Various modes of inheritance.

Allele frequency attached by ClinVar (database versions not stated): ExAC 0.00005.

Submissions (3):

Labcorp Genetics (formerly Invitae), Labcorp
Classification: Likely benign for Hypertrophic cardiomyopathy 25; Primary familial hypertrophic cardiomyopathy. Last evaluated: 2025-08-14. Review status: criteria provided, single submitter. Criteria: Invitae Variant Classification Sherloc (09022015). Collection method: clinical testing. Allele origin: germline.

Ambry Genetics
Classification: Likely benign for Cardiovascular phenotype. Last evaluated: 2022-03-03. Review status: criteria provided, single submitter. Criteria: Ambry Variant Classification Scheme 2023. Collection method: clinical testing. Allele origin: germline.

GeneDx
Classification: Likely benign. Last evaluated: 2017-11-10. Review status: criteria provided, single submitter. Criteria: GeneDx Variant Classification (06012015). Collection method: clinical testing. Allele origin: germline. Affected: yes.
Comment: This variant is considered likely benign or benign based on one or more of the following criteria: it is a conservative change, it occurs at a poorly conserved position in the protein, it is predicted to be benign by multiple in silico algorithms, and/or has population frequency not consistent with disease.